The following is an entry in ClinVar:

NM_022124.6(CDH23):c.5351T>A (p.Met1784Lys)

Gene: CDH23 (cadherin related 23; plus strand). Cytogenetic location: 10q22.1.
Variant type: single nucleotide variant.
Coding change: c.5351T>A on transcript NM_022124.6 (MANE Select); coding-DNA position 5351, T replaced by A.
Protein change: p.Met1784Lys; replaces methionine 1784 with lysine.
Molecular consequence: missense variant.
Genome position (GRCh38, 1-based): chr10:71,779,430, T>A. VCF-style: chr10-71779430-T-A. GRCh37 (hg19) VCF-style: chr10-73539187-T-A.
Other names: short protein forms M1784K.
Identifiers: ClinVar variation 1696977 (VCV001696977.2), dbSNP rs1415495921, ClinGen allele CA377143177.
Genomic context (GRCh38, chr10:71,779,430, plus strand): 5'-GGACCTTCCTGGCCCATGACCGAGACTCAGGACCCAACGGGCAGGTGGAGTACAGCATCA[T>A]GGATGGAGACCCTCTGGGTGAGTGGGGCTTGGGGCATGCCACCCACAGGGTCTCACCTGC-3'
Protein context (NP_071407.4, residues 1774-1794): GPNGQVEYSI[Met1784Lys]DGDPLGEFVI

ClinVar aggregate classification (germline): Uncertain significance (1 of 4 stars; one submission).

Allele frequency attached by ClinVar (database versions not stated): gnomAD exomes below 0.00001.

Submission:

GeneDx
Classification: Uncertain significance. Last evaluated: 2022-01-11. Review status: criteria provided, single submitter. Criteria: GeneDx Variant Classification Process June 2021. Collection method: clinical testing. Allele origin: germline. Affected: yes.
Comment: Not observed at significant frequency in large population cohorts (gnomAD); In silico analysis supports that this missense variant does not alter protein structure/function; Has not been previously published as pathogenic or benign to our knowledge